The following is an entry in ClinVar:

NM_017514.5(PLXNA3):c.1706G>T (p.Ser569Ile)

Gene: PLXNA3 (plexin A3; plus strand). Cytogenetic location: Xq28.
Variant type: single nucleotide variant.
Coding change: c.1706G>T on transcript NM_017514.5 (MANE Select); coding-DNA position 1706, G replaced by T.
Protein change: p.Ser569Ile; replaces serine 569 with isoleucine.
Molecular consequence: missense variant.
Genome position (GRCh38, 1-based): chrX:154,464,191, G>T. VCF-style: chrX-154464191-G-T. GRCh37 (hg19) VCF-style: chrX-153692534-G-T.
Other names: short protein forms S569I.
Identifiers: ClinVar variation 4991124 (VCV004991124.1).

ClinVar aggregate classification (germline): Uncertain significance (1 of 4 stars; one submission).

Conditions:
PLXNA3-related disorder. Also called: PLXNA3-related condition.

Submission:

PreventionGenetics, part of Exact Sciences
Classification: Uncertain significance for PLXNA3-related condition. Last evaluated: 2025-09-10. Review status: criteria provided, single submitter. Criteria: ACMG Guidelines, 2015. Collection method: clinical testing. Allele origin: germline.
Comment: The PLXNA3 c.1706G>T variant is predicted to result in the amino acid substitution p.Ser569Ile. To our knowledge, this variant has not been reported in the literature or in a large population database (gnomAD), indicating this variant is rare. At this time, the clinical significance of this variant is uncertain due to the absence of conclusive functional and genetic evidence.